The following is an entry in ClinVar:

ClinVar aggregate classification (germline): Pathogenic (1 of 4 stars; one submission).

Conditions:
Bardet-Biedl syndrome (BBS). Identifiers: Orphanet 110, MedGen C0752166, MONDO:0015229.

Submission:

Labcorp Genetics (formerly Invitae), Labcorp
Classification: Pathogenic for Bardet-Biedl syndrome. Last evaluated: 2019-12-19. Review status: criteria provided, single submitter. Criteria: Invitae Variant Classification Sherloc (09022015). Collection method: clinical testing. Allele origin: germline.
Comment: This variant is a gross deletion of the genomic region encompassing exons 1-11 of the BBS1 gene, which includes the initiator codon. The 5' end of this event is unknown as it extends beyond the assayed region for this gene and therefore may encompass additional genes. The 3' boundary is likely confined to intron 11 of the BBS1 gene. This is expected to result in an absent or disrupted protein product. This variant has been observed in an individual affected with Bardet-Biedl syndrome (PMID: 24746959). Loss-of-function variants in BBS1 are known to be pathogenic (PMID: 12118255). For these reasons, this variant has been classified as Pathogenic.

Literature cited by the submitters: PubMed 24746959.

NC_000011.10:g.(?_66510650)_(66524211_?)del

Gene: BBS1 (Bardet-Biedl syndrome 1; plus strand). Cytogenetic location: 11q13.2.
Variant type: Deletion.
Identifiers: ClinVar variation 832534 (VCV000832534.1).